The following is an entry in ClinVar:

NM_002397.5(MEF2C):c.409C>G (p.Pro137Ala)

Gene: MEF2C (myocyte enhancer factor 2C; minus strand). Cytogenetic location: 5q14.3.
Variant type: single nucleotide variant.
Coding change: c.409C>G on transcript NM_002397.5 (MANE Select); coding-DNA position 409, C replaced by G.
Protein change: p.Pro137Ala; replaces proline 137 with alanine.
Molecular consequence: missense variant. On other transcripts: 5 prime UTR variant (1).
Genome position (GRCh38, 1-based): chr5:88,752,037, G>C on the plus strand (C>G on the coding strand, the complement: MEF2C is on the minus strand). VCF-style: chr5-88752037-G-C. GRCh37 (hg19) VCF-style: chr5-88047854-G-C.
Other names: c.403C>G, p.Pro135Ala (NM_001131005.2, NM_001364343.2, NM_001364352.2); c.463C>G, p.Pro155Ala (NM_001193347.1, NM_001364338.2); c.265C>G, p.Pro89Ala (NM_001193348.1, NM_001193349.3, NM_001364332.2 and 3 more transcripts); c.409C>G, p.Pro137Ala (NM_001193350.2, NM_001308002.3, NM_001363581.2 and 18 more transcripts); c.31C>G, p.Pro11Ala (NM_001364353.2, NM_001364356.2); c.-18C>G (NM_001364357.2); short protein forms P89A, P155A, P137A, P11A, P135A.
Identifiers: ClinVar variation 4709945 (VCV004709945.2).

ClinVar aggregate classification (germline): Uncertain significance. Review status: criteria provided, multiple submitters, no conflicts (2 of 4 stars). 2 submissions from 2 submitters: Uncertain significance (2). Last evaluated 2025-11-25.

Conditions:
Neurodevelopmental disorder with hypotonia, stereotypic hand movements, and impaired language. Also called: Intellectual disability, autosomal dominant 20. Identifiers: Orphanet 228384, Orphanet 664410, MedGen C3150700, MONDO:0013266, OMIM 613443.

Submissions (2):

Labcorp Genetics (formerly Invitae), Labcorp
Classification: Uncertain significance for Neurodevelopmental disorder with hypotonia, stereotypic hand movements, and impaired language. Last evaluated: 2025-11-25. Review status: criteria provided, single submitter. Criteria: Invitae Variant Classification Sherloc (09022015). Collection method: clinical testing. Allele origin: germline.
Comment: This sequence change replaces proline, which is neutral and non-polar, with alanine, which is neutral and non-polar, at codon 137 of the MEF2C protein (p.Pro137Ala). This variant is not present in population databases (gnomAD no frequency). This variant has not been reported in the literature in individuals affected with MEF2C-related conditions. Invitae Evidence Modeling of protein sequence and biophysical properties (such as structural, functional, and spatial information, amino acid conservation, physicochemical variation, residue mobility, and thermodynamic stability) indicates that this missense variant is not expected to disrupt MEF2C protein function with a negative predictive value of 95%. In summary, the available evidence is currently insufficient to determine the role of this variant in disease. Therefore, it has been classified as a Variant of Uncertain Significance.

Blueprint Genetics
Classification: Uncertain significance. Last evaluated: 2021-04-08. Review status: criteria provided, single submitter. Criteria: ACMG Guidelines, 2015. Collection method: clinical testing. Allele origin: germline.